The following is an entry in ClinVar:

NM_001205293.3(CACNA1E):c.4964T>G (p.Leu1655Arg)

Gene: CACNA1E (calcium voltage-gated channel subunit alpha1 E; plus strand). Cytogenetic location: 1q25.3.
Variant type: single nucleotide variant.
Coding change: c.4964T>G on transcript NM_001205293.3 (MANE Select); coding-DNA position 4964, T replaced by G.
Protein change: p.Leu1655Arg; replaces leucine 1655 with arginine.
Molecular consequence: missense variant.
Genome position (GRCh38, 1-based): chr1:181,771,375, T>G. VCF-style: chr1-181771375-T-G. GRCh37 (hg19) VCF-style: chr1-181740511-T-G.
Other names: c.4964T>G, p.Leu1655Arg (NM_000721.4); c.4907T>G, p.Leu1636Arg (NM_001205294.2); short protein forms L1636R, L1655R.
Identifiers: ClinVar variation 1388162 (VCV001388162.8), dbSNP rs2102766403, ClinGen allele CA343627924.

ClinVar aggregate classification (germline): Uncertain significance (1 of 4 stars; one submission).

Submission:

Labcorp Genetics (formerly Invitae), Labcorp
Classification: Uncertain significance. Last evaluated: 2021-04-16. Review status: criteria provided, single submitter. Criteria: Invitae Variant Classification Sherloc (09022015). Collection method: clinical testing. Allele origin: germline.
Comment: This variant is not present in population databases (ExAC no frequency). In summary, the available evidence is currently insufficient to determine the role of this variant in disease. Therefore, it has been classified as a Variant of Uncertain Significance. Advanced modeling of protein sequence and biophysical properties (such as structural, functional, and spatial information, amino acid conservation, physicochemical variation, residue mobility, and thermodynamic stability) performed at Invitae indicates that this missense variant is expected to disrupt CACNA1E protein function. This variant has not been reported in the literature in individuals with CACNA1E-related conditions. This sequence change replaces leucine with arginine at codon 1655 of the CACNA1E protein (p.Leu1655Arg). The leucine residue is highly conserved and there is a moderate physicochemical difference between leucine and arginine.